The following is an entry in ClinVar:

NM_005220.3(DLX3):c.391A>C (p.Lys131Gln)

Gene: DLX3 (distal-less homeobox 3; minus strand). Cytogenetic location: 17q21.33.
Variant type: single nucleotide variant.
Coding change: c.391A>C on transcript NM_005220.3 (MANE Select); coding-DNA position 391, A replaced by C.
Protein change: p.Lys131Gln; replaces lysine 131 with glutamine.
Molecular consequence: missense variant.
Genome position (GRCh38, 1-based): chr17:49,993,525, T>G on the plus strand (A>C on the coding strand, the complement: DLX3 is on the minus strand). VCF-style: chr17-49993525-T-G. GRCh37 (hg19) VCF-style: chr17-48070889-T-G.
Other names: short protein forms K131Q.
Identifiers: ClinVar variation 3666444 (VCV003666444.2).

ClinVar aggregate classification (germline): Uncertain significance (1 of 4 stars; one submission).

Submission:

Labcorp Genetics (formerly Invitae), Labcorp
Classification: Uncertain significance. Last evaluated: 2024-09-25. Review status: criteria provided, single submitter. Criteria: Invitae Variant Classification Sherloc (09022015). Collection method: clinical testing. Allele origin: germline.
Comment: This sequence change replaces lysine, which is basic and polar, with glutamine, which is neutral and polar, at codon 131 of the DLX3 protein (p.Lys131Gln). This variant is not present in population databases (gnomAD no frequency). This variant has not been reported in the literature in individuals affected with DLX3-related conditions. Invitae Evidence Modeling of protein sequence and biophysical properties (such as structural, functional, and spatial information, amino acid conservation, physicochemical variation, residue mobility, and thermodynamic stability) indicates that this missense variant is expected to disrupt DLX3 protein function with a positive predictive value of 80%. In summary, the available evidence is currently insufficient to determine the role of this variant in disease. Therefore, it has been classified as a Variant of Uncertain Significance.